The following is an entry in ClinVar:

ClinVar aggregate classification (germline): Benign/Likely benign. Review status: criteria provided, multiple submitters, no conflicts (2 of 4 stars). 4 submissions from 4 submitters: Benign (3); Likely benign (1). Last evaluated 2025-07-25.

Conditions:
Rotor syndrome (HBLRR). Also called: HYPERBILIRUBINEMIA, ROTOR TYPE, DIGENIC; HYPERBILIRUBINEMIA, ROTOR TYPE. Identifiers: Orphanet 3111, MedGen C0220991, MONDO:0009379, OMIM 237450.

Allele frequency attached by ClinVar (database versions not stated): ExAC 0.00296; gnomAD 0.00904 and 0.00971; ESP Exome Variant Server 0.00988; TOPMed 0.01024; 1000 Genomes Project 0.01098; 1000 Genomes Project 30x 0.01234.
gnomAD v4.1: 2,609 of 1,602,552 alleles (0.16%); highest among the groups gnomAD compares: African/African-American, 3.1%; 23 homozygotes.

Submissions (4):

ARUP Laboratories, Molecular Genetics and Genomics, ARUP Laboratories
Classification: Benign for Rotor syndrome. Last evaluated: 2025-07-25. Review status: criteria provided, single submitter. Criteria: ARUP Molecular Germline Variant Investigation Process 2024. Collection method: clinical testing. Allele origin: germline.

Labcorp Genetics (formerly Invitae), Labcorp
Classification: Benign. Last evaluated: 2018-12-11. Review status: criteria provided, single submitter. Criteria: Invitae Variant Classification Sherloc (09022015). Collection method: clinical testing. Allele origin: germline.

Illumina Laboratory Services, Illumina
Classification: Benign for Rotor syndrome. Last evaluated: 2018-01-13. Review status: criteria provided, single submitter. Criteria: ICSL Variant Classification Criteria 13 December 2019. Collection method: clinical testing. Allele origin: germline.
Comment: This variant was observed in the ICSL laboratory as part of a predisposition screen in an ostensibly healthy population. It had not been previously curated by ICSL or reported in the Human Gene Mutation Database (HGMD: prior to June 1st, 2018), and was therefore a candidate for classification through an automated scoring system. Utilizing variant allele frequency, disease prevalence and penetrance estimates, and inheritance mode, an automated score was calculated to assess if this variant is too frequent to cause the disease. Based on the score and internal cut-off values, a variant classified as benign is not then subjected to further curation. The score for this variant resulted in a classification of benign for this disease.

Breakthrough Genomics
Classification: Likely benign. Review status: criteria provided, single submitter. Criteria: ACMG Guidelines, 2015. Collection method: not provided. Allele origin: germline. Inheritance: Autosomal recessive inheritance. Affected: yes.

NM_019844.4(SLCO1B3):c.439A>G (p.Thr147Ala)

Genes: SLCO1B3 (solute carrier organic anion transporter family member 1B3; plus strand), SLCO1B3-SLCO1B7 (SLCO1B3-SLCO1B7 readthrough; plus strand). Cytogenetic location: 12p12.2.
Variant type: single nucleotide variant.
Coding change: c.439A>G on transcript NM_019844.4 (MANE Select); coding-DNA position 439, A replaced by G.
Protein change: p.Thr147Ala; replaces threonine 147 with alanine.
Molecular consequence: missense variant.
Genome position (GRCh38, 1-based): chr12:20,861,096, A>G. VCF-style: chr12-20861096-A-G. GRCh37 (hg19) VCF-style: chr12-21014030-A-G.
Other names: c.355A>G, p.Thr119Ala (NM_001349920.2); short protein forms T147A, T119A.
Identifiers: ClinVar variation 307887 (VCV000307887.19), dbSNP rs57585902, ClinGen allele CA6475174.
Genomic context (GRCh38, chr12:20,861,096, plus strand): 5'-ACCCATATTAATCCATCAGAAAATTCAACATCAAGTTTATCAACCTGTTTAATTAATCAA[A>G]CCTTATCATTCAATGGAACATCACCTGAGATAGTAGAAAAAGGTAAGAATTAATAGTGAC-3'
Protein context (NP_062818.1, residues 137-157): SSLSTCLINQ[Thr147Ala]LSFNGTSPEI